The following is an entry in ClinVar:

NM_001025356.3(ANO6):c.326A>G (p.Gln109Arg)

Gene: ANO6 (anoctamin 6; plus strand). Cytogenetic location: 12q12.
Variant type: single nucleotide variant.
Coding change: c.326A>G on transcript NM_001025356.3 (MANE Select); coding-DNA position 326, A replaced by G.
Protein change: p.Gln109Arg; replaces glutamine 109 with arginine.
Molecular consequence: missense variant.
Genome position (GRCh38, 1-based): chr12:45,347,068, A>G. VCF-style: chr12-45347068-A-G. GRCh37 (hg19) VCF-style: chr12-45740851-A-G.
Other names: p.Gln109Arg; c.272A>G, p.Gln91Arg (NM_001142678.2); c.326A>G, p.Gln109Arg (NM_001142679.2); c.389A>G, p.Gln130Arg (NM_001204803.2); c.326A>G (NM_001025356.2); short protein forms Q109R, Q130R, Q91R.
Identifiers: ClinVar variation 1110164 (VCV001110164.13), dbSNP rs148800881, ClinGen allele CA6524962.

ClinVar aggregate classification (germline): Conflicting classifications of pathogenicity. Review status: criteria provided, conflicting classifications (1 of 4 stars). 4 submissions from 4 submitters: Uncertain significance (2); Likely benign (2). Last evaluated 2026-01-06.

Conditions:
Inborn genetic diseases. Identifiers: MedGen C0950123, MeSH D030342.

Allele frequency attached by ClinVar (database versions not stated): gnomAD exomes 0.00010; ExAC 0.00011; ESP Exome Variant Server 0.00015; 1000 Genomes Project 30x 0.00016; 1000 Genomes Project 0.00020; TOPMed 0.00020; gnomAD 0.00021 and 0.00025.
gnomAD v4.1: 141 of 1,614,088 alleles (0.0087%); highest among the groups gnomAD compares: East Asian, 0.047%; 1 homozygote.

Submissions (5):

Labcorp Genetics (formerly Invitae), Labcorp
Classification: Likely benign. Last evaluated: 2026-01-06. Review status: criteria provided, single submitter. Criteria: Invitae Variant Classification Sherloc (09022015). Collection method: clinical testing. Allele origin: germline.

Women's Health and Genetics/Laboratory Corporation of America, LabCorp
Classification: Uncertain significance. Last evaluated: 2025-11-11. Review status: criteria provided, single submitter. Criteria: LabCorp Variant Classification Summary - May 2015. Collection method: clinical testing. Allele origin: germline.
Comment: Variant summary: ANO6 c.326A>G (p.Gln109Arg) results in a conservative amino acid change in the encoded protein sequence. Algorithms developed to predict the effect of missense changes on protein structure and function are either unavailable or do not agree on the potential impact of this missense change. The variant allele was found at a frequency of 0.0001 in 250938 control chromosomes. This frequency is not significantly higher than estimated for disease-causing variants in ANO6, allowing no conclusion about variant significance. To our knowledge, no occurrence of c.326A>G in individuals affected with ANO6-related conditions and no experimental evidence demonstrating its impact on protein function have been reported. ClinVar contains an entry for this variant (Variation ID: 1110164). Based on the evidence outlined above, the variant was classified as uncertain significance.

Mayo Clinic Laboratories, Mayo Clinic
Classification: Likely benign. Last evaluated: 2025-05-14. Review status: criteria provided, single submitter. Criteria: ACMG Guidelines, 2015. Collection method: clinical testing. Allele origin: germline. Observed: 1 variant allele.
Comment: BS1_supporting, BP4_moderate

Ambry Genetics
Classification: Uncertain significance for Inborn genetic diseases. Last evaluated: 2021-10-06. Review status: criteria provided, single submitter. Criteria: Ambry Variant Classification Scheme 2023. Collection method: clinical testing. Allele origin: germline.

Dr. Peter K. Rogan Lab, Western University
No classification provided (evidence only). Condition: Thyroid cancer, nonmedullary, 1. Review status: no classification provided. Collection method: in vitro. Allele origin: not applicable. Functional consequence: retained intron. Not counted in ClinVar's aggregate classification.